The following is an entry in ClinVar:

ClinVar aggregate classification (germline): Pathogenic/Likely pathogenic. Review status: criteria provided, multiple submitters, no conflicts (2 of 4 stars). 11 submissions from 11 submitters: Pathogenic (6); Likely pathogenic (4). 1 of the submissions does not count toward it. Last evaluated 2025-03-13.

Conditions:
PRSS1-related disorder. Also called: PRSS1-related condition.
Hereditary pancreatitis (PCTT). Also called: Hereditary chronic pancreatitis; PRSS1-Related Hereditary Pancreatitis. Identifiers: Orphanet 676, MedGen C0238339, MONDO:0008185, OMIM 167800.

Allele frequency attached by ClinVar (database versions not stated): ExAC 0.00010; TOPMed 0.00001.
gnomAD v4.1: 41 of 1,613,976 alleles (0.0025%); highest among the groups gnomAD compares: East Asian, 0.029%; no homozygotes.

Submissions (11):

Labcorp Genetics (formerly Invitae), Labcorp
Classification: Likely pathogenic for Hereditary pancreatitis. Last evaluated: 2025-03-13. Review status: criteria provided, single submitter. Criteria: Invitae Variant Classification Sherloc (09022015). Collection method: clinical testing. Allele origin: germline.
Comment: This sequence change replaces arginine, which is basic and polar, with cysteine, which is neutral and slightly polar, at codon 116 of the PRSS1 protein (p.Arg116Cys). The frequency data for this variant in the population databases is considered unreliable, as metrics indicate poor data quality at this position in the gnomAD database. This missense change has been observed in individual(s) with pancreatitis (PMID: 11708864, 11842279, 15786540, 19191323, 19433603, 20502448, 24909264, 30420730). It has also been observed to segregate with disease in related individuals. ClinVar contains an entry for this variant (Variation ID: 29923). Invitae Evidence Modeling of protein sequence and biophysical properties (such as structural, functional, and spatial information, amino acid conservation, physicochemical variation, residue mobility, and thermodynamic stability) indicates that this missense variant is not expected to disrupt PRSS1 protein function with a negative predictive value of 80%. Experimental studies have shown that this missense change affects PRSS1 function (PMID: 19191323, 31521106). In summary, the currently available evidence indicates that the variant is pathogenic, but additional data are needed to prove that conclusively. Therefore, this variant has been classified as Likely Pathogenic.

Women's Health and Genetics/Laboratory Corporation of America, LabCorp
Classification: Pathogenic for Hereditary pancreatitis. Last evaluated: 2024-10-04. Review status: criteria provided, single submitter. Criteria: LabCorp Variant Classification Summary - May 2015. Collection method: clinical testing. Allele origin: germline.
Comment: Variant summary: PRSS1 c.346C>T (p.Arg116Cys) results in a non-conservative amino acid change located in the Serine proteases, trypsin domain (IPR001254) of the encoded protein sequence. Four of five in-silico tools predict a damaging effect of the variant on protein function. The variant allele was found at a frequency of 7e-05 in 255866 control chromosomes. This frequency is not significantly higher than estimated for a pathogenic variant in PRSS1 causing Chronic Pancreatitis (7e-05 vs 0.00025), allowing no conclusion about variant significance. c.346C>T has been reported in the literature in multiple individuals affected with Pancreatitis (examples, Teich_2002, Tautermann_2001, LeMarechalPRSS1_2001, Rosendahl_2012, Kereszturi_2009, Sultan_2012, Pho-Iam_2005). At least one publication reports experimental evidence evaluating an impact on protein function. The most pronounced variant effect results in 10%-<30% of normal activity (Kereszturi_2009). The following publications have been ascertained in the context of this evaluation (PMID: 20452997, 19191323, 11842279, 15786540, 16791840, 22094894, 22427236, 11708864, 11866271). ClinVar contains an entry for this variant (Variation ID: 29923). Based on the evidence outlined above, the variant was classified as pathogenic.

Mayo Clinic Laboratories, Mayo Clinic
Classification: Pathogenic. Last evaluated: 2024-07-17. Review status: criteria provided, single submitter. Criteria: ACMG Guidelines, 2015. Collection method: clinical testing. Allele origin: germline.
Comment: PS3, PS4

ARUP Laboratories, Molecular Genetics and Genomics, ARUP Laboratories
Classification: Pathogenic for Hereditary pancreatitis. Last evaluated: 2024-05-20. Review status: criteria provided, single submitter. Criteria: ARUP Molecular Germline Variant Investigation Process 2024. Collection method: clinical testing. Allele origin: germline.
Comment: The PRSS1 c.346C>T; p.Arg116Cys variant (rs387906698), is reported in the literature in multiple individuals and families affected with pancreatitis (Kereszturi 2009, Kurian 2014, see link to Chronic Pancreatitis database and references therein). This variant is also reported in ClinVar (Variation ID: 29923). It is observed in the East Asian population with an allele frequency of 0.07% (14/19950 alleles) in the Genome Aggregation Database. Computational analyses are uncertain whether this variant is neutral or deleterious (REVEL: 0.597). However, functional analyses of the variant protein show misfolding and intracellular retention, leading to endoplasmic reticular stress (Kereszturi 2009). Based on available information, the p.Arg116Cys variant is considered to be pathogenic. References: Link to Genetic Risk Factors in Chronic Pancreatitis database: Kereszturi E et al. Hereditary pancreatitis caused by mutation-induced misfolding of human cationic trypsinogen: a novel disease mechanism. Hum Mutat. 2009 Apr;30(4):575-82. PMID: 19191323. Kurian AW et al. Clinical evaluation of a multiple-gene sequencing panel for hereditary cancer risk assessment. J Clin Oncol. 2014 Jul 1;32(19):2001-9. PMID: 24733792.

Blueprint Genetics
Classification: Likely pathogenic for PRSS1-related disorders. Last evaluated: 2024-04-12. Review status: criteria provided, single submitter. Criteria: ACMG Guidelines, 2015. Collection method: clinical testing. Allele origin: germline. Affected: yes. Observed: 5 variant alleles.

Ambry Genetics
Classification: Pathogenic for Hereditary pancreatitis. Last evaluated: 2023-05-11. Review status: criteria provided, single submitter. Criteria: Ambry Variant Classification Scheme 2023. Collection method: clinical testing. Allele origin: germline.
Comment: The p.R116C pathogenic mutation (also known as c.346C>T), located in coding exon 3 of the PRSS1 gene, results from a C to T substitution at nucleotide position 346. The arginine at codon 116 is replaced by cysteine, an amino acid with highly dissimilar properties. This mutation has been reported in several unrelated families with hereditary pancreatitis. Furthermore, this mutation was shown to promote misfolding of the enzyme, leading to abnormal retention within cells (Kereszturi E et al. Hum Mutat. 2009; 30(4):575-582). Based on the supporting evidence, this alteration is interpreted as a disease-causing mutation.

Revvity Omics, Revvity
Classification: Likely pathogenic for Hereditary pancreatitis. Last evaluated: 2022-05-13. Review status: criteria provided, single submitter. Criteria: ACMG Guidelines, 2015. Collection method: clinical testing. Allele origin: germline.

Centre for Inherited Metabolic Diseases, Karolinska University Hospital
Classification: Pathogenic for Hereditary pancreatitis. Last evaluated: 2021-04-13. Review status: criteria provided, single submitter. Criteria: ACMG Guidelines, 2015. Collection method: clinical testing. Allele origin: germline. Inheritance: Autosomal dominant inheritance. Affected: yes. Observed: 1 heterozygote.

Clinical Genetics Service, Universitary Hospital 12 de Octubre
Classification: Pathogenic for Hereditary pancreatitis. Review status: criteria provided, single submitter. Criteria: ACMG Guidelines, 2015. Collection method: clinical testing. Allele origin: germline. Affected: yes.

Juno Genomics, Hangzhou Juno Genomics, Inc
Classification: Likely pathogenic for Hereditary pancreatitis. Review status: criteria provided, single submitter. Criteria: ACMG Guidelines, 2015. Collection method: clinical testing. Allele origin: germline.
Comment: Absent from controls (or at extremely low frequency if recessive) in Genome Aggregation Database.;The prevalence of the variant in affected individuals is significantly increased compared to the prevalence in controls.;Well-established in vitro or in vivo functional studies supportive of a damaging effect on the gene or gene product.

OMIM
Classification: Pathogenic for PANCREATITIS, HEREDITARY. Last evaluated: 2009-04-01. Review status: no assertion criteria provided. Collection method: literature only. Allele origin: germline. Not counted in ClinVar's aggregate classification.

Literature cited by the submitters: PubMed 11708864 (cited by 4 submitters); PubMed 11842279 (cited by 3 submitters); PubMed 15786540 (cited by 3 submitters); PubMed 19191323 (cited by 5 submitters); PubMed 19433603 (cited by Labcorp Genetics (formerly Invitae), Labcorp and Mayo Clinic Laboratories, Mayo Clinic); PubMed 20502448 (cited by Labcorp Genetics (formerly Invitae), Labcorp and Mayo Clinic Laboratories, Mayo Clinic); PubMed 24909264 (cited by Labcorp Genetics (formerly Invitae), Labcorp and Mayo Clinic Laboratories, Mayo Clinic); PubMed 30420730 (cited by Labcorp Genetics (formerly Invitae), Labcorp and Mayo Clinic Laboratories, Mayo Clinic); PubMed 31521106 (cited by Labcorp Genetics (formerly Invitae), Labcorp and Mayo Clinic Laboratories, Mayo Clinic); PubMed 20452997 (cited by Women's Health and Genetics/Laboratory Corporation of America, LabCorp); PubMed 16791840 (cited by Women's Health and Genetics/Laboratory Corporation of America, LabCorp and OMIM); PubMed 22094894 (cited by Women's Health and Genetics/Laboratory Corporation of America, LabCorp and Mayo Clinic Laboratories, Mayo Clinic); PubMed 22427236 (cited by Women's Health and Genetics/Laboratory Corporation of America, LabCorp and Mayo Clinic Laboratories, Mayo Clinic); PubMed 11866271 (cited by 3 submitters); PubMed 28502372 (cited by Mayo Clinic Laboratories, Mayo Clinic); PubMed 32026589 (cited by Mayo Clinic Laboratories, Mayo Clinic); PubMed 32387800 (cited by Mayo Clinic Laboratories, Mayo Clinic); PubMed 33257277 (cited by Mayo Clinic Laboratories, Mayo Clinic); PubMed 33726816 (cited by Mayo Clinic Laboratories, Mayo Clinic); PubMed 35974416 (cited by Mayo Clinic Laboratories, Mayo Clinic); PubMed 37581535 (cited by Mayo Clinic Laboratories, Mayo Clinic); PubMed 38025192 (cited by Mayo Clinic Laboratories, Mayo Clinic).

NM_002769.5(PRSS1):c.346C>T (p.Arg116Cys)

Genes: PRSS1 (serine protease 1; plus strand), TRB (T cell receptor beta locus; plus strand). Cytogenetic location: 7q34.
Variant type: single nucleotide variant.
Coding change: c.346C>T on transcript NM_002769.5 (MANE Select); coding-DNA position 346, C replaced by T.
Protein change: p.Arg116Cys; replaces arginine 116 with cysteine.
Molecular consequence: missense variant.
Genome position (GRCh38, 1-based): chr7:142,751,919, C>T. VCF-style: chr7-142751919-C-T. GRCh37 (hg19) VCF-style: chr7-142459770-C-T.
Other names: short protein forms R116C.
Identifiers: ClinVar variation 29923 (VCV000029923.33), dbSNP rs387906698, ClinGen allele CA342722.